The following is an entry in ClinVar:

ClinVar aggregate classification (germline): Benign/Likely benign. Review status: criteria provided, multiple submitters, no conflicts (2 of 4 stars). 4 submissions from 4 submitters: Benign (1); Likely benign (3). Last evaluated 2026-04-01.

Allele frequency attached by ClinVar (database versions not stated): ExAC 0.00018; gnomAD exomes 0.00018 and 0.00022; gnomAD 0.00019; TOPMed 0.00022; ESP Exome Variant Server 0.00031.
gnomAD v4.1: 353 of 1,613,488 alleles (0.022%); highest among the groups gnomAD compares: East Asian, 0.24%; no homozygotes.

Submissions (5):

CeGaT Center for Human Genetics Tuebingen
Classification: Likely benign. Last evaluated: 2026-04-01. Review status: criteria provided, single submitter. Criteria: CeGaT Center For Human Genetics Tuebingen Variant Classification Criteria Version 2. Collection method: clinical testing. Allele origin: germline. Affected: yes. Observed: 6 variant alleles.
Comment: MTOR: PP3, BS1

Labcorp Genetics (formerly Invitae), Labcorp
Classification: Likely benign. Last evaluated: 2026-01-13. Review status: criteria provided, single submitter. Criteria: Invitae Variant Classification Sherloc (09022015). Collection method: clinical testing. Allele origin: germline.

Blueprint Genetics
Classification: Likely benign. Last evaluated: 2023-12-11. Review status: criteria provided, single submitter. Criteria: ACMG Guidelines, 2015. Collection method: clinical testing. Allele origin: germline.

GeneDx
Classification: Benign. Last evaluated: 2019-06-11. Review status: criteria provided, single submitter. Criteria: GeneDx Variant Classification Process June 2021. Collection method: clinical testing. Allele origin: germline. Affected: yes.

Dr. Peter K. Rogan Lab, Western University
No classification provided (evidence only). Condition: Gastric cancer. Review status: no classification provided. Collection method: in vitro. Allele origin: not applicable. Functional consequence: retained intron. Not counted in ClinVar's aggregate classification.

NM_004958.4(MTOR):c.1821G>A (p.Ala607=)

Gene: MTOR (mechanistic target of rapamycin kinase; minus strand). Cytogenetic location: 1p36.22.
Variant type: single nucleotide variant.
Coding change: c.1821G>A on transcript NM_004958.4 (MANE Select); coding-DNA position 1821, G replaced by A.
Protein change: p.Ala607=; no amino-acid change (alanine 607 retained).
Molecular consequence: synonymous variant.
Genome position (GRCh38, 1-based): chr1:11,238,583, C>T on the plus strand (G>A on the coding strand, the complement: MTOR is on the minus strand). VCF-style: chr1-11238583-C-T. GRCh37 (hg19) VCF-style: chr1-11298640-C-T.
Other names: c.1821G>A (LRG_734t1).
Identifiers: ClinVar variation 414906 (VCV000414906.55), dbSNP rs55881943, ClinGen allele CA590628.